The following is an entry in ClinVar:

NM_000161.3(GCH1):c.266A>G (p.Gln89Arg)

Gene: GCH1 (GTP cyclohydrolase 1; minus strand). Cytogenetic location: 14q22.2.
Variant type: single nucleotide variant.
Coding change: c.266A>G on transcript NM_000161.3 (MANE Select); coding-DNA position 266, A replaced by G.
Protein change: p.Gln89Arg; replaces glutamine 89 with arginine.
Molecular consequence: missense variant.
Genome position (GRCh38, 1-based): chr14:54,902,398, T>C on the plus strand (A>G on the coding strand, the complement: GCH1 is on the minus strand). VCF-style: chr14-54902398-T-C. GRCh37 (hg19) VCF-style: chr14-55369116-T-C.
Other names: c.266A>G, p.Gln89Arg (NM_001024024.2, NM_001024070.2, NM_001024071.2); short protein forms Q89R.
Identifiers: ClinVar variation 1392607 (VCV001392607.6), dbSNP rs2140127145, ClinGen allele CA389793737.

ClinVar aggregate classification (germline): Uncertain significance (1 of 4 stars; one submission).

Conditions:
Dystonia 5 (DRD). Also called: DYSTONIA, PROGRESSIVE, WITH DIURNAL VARIATION; DYSTONIA-PARKINSONISM WITH DIURNAL FLUCTUATION; GTP Cyclohydrolase 1-Deficient Dopa-Responsive Dystonia; Dystonia, DOPA-responsive, with or without hyperphenylalaninemia; DYT-GCH1. Identifiers: Orphanet 98808, MedGen C1851920, MONDO:0007495, OMIM 128230.
GTP cyclohydrolase I deficiency. Identifiers: MedGen C0268467, MONDO:0100184.

Submission:

Labcorp Genetics (formerly Invitae), Labcorp
Classification: Uncertain significance for GTP cyclohydrolase I deficiency; Dystonia 5. Last evaluated: 2021-11-11. Review status: criteria provided, single submitter. Criteria: Invitae Variant Classification Sherloc (09022015). Collection method: clinical testing. Allele origin: germline.
Comment: In summary, the available evidence is currently insufficient to determine the role of this variant in disease. Therefore, it has been classified as a Variant of Uncertain Significance. Algorithms developed to predict the effect of missense changes on protein structure and function are either unavailable or do not agree on the potential impact of this missense change (SIFT: "Deleterious"; PolyPhen-2: "Benign"; Align-GVGD: "Class C0"). This variant has not been reported in the literature in individuals affected with GCH1-related conditions. This sequence change replaces glutamine, which is neutral and polar, with arginine, which is basic and polar, at codon 89 of the GCH1 protein (p.Gln89Arg). This variant is not present in population databases (gnomAD no frequency).